The following is an entry in ClinVar:

NM_014339.7(IL17RA):c.2361G>A (p.Arg787=)

Gene: IL17RA (interleukin 17 receptor A; plus strand). Cytogenetic location: 22q11.1.
Variant type: single nucleotide variant.
Coding change: c.2361G>A on transcript NM_014339.7 (MANE Select); coding-DNA position 2361, G replaced by A.
Protein change: p.Arg787=; no amino-acid change (arginine 787 retained).
Molecular consequence: synonymous variant.
Genome position (GRCh38, 1-based): chr22:17,109,580, G>A. VCF-style: chr22-17109580-G-A. GRCh37 (hg19) VCF-style: chr22-17590470-G-A.
Other names: p.Arg787=; c.2259G>A, p.Arg753= (NM_001289905.2).
Identifiers: ClinVar variation 1156596 (VCV001156596.10), dbSNP rs141859292, ClinGen allele CA10086978.

ClinVar aggregate classification (germline): Likely benign. Review status: criteria provided, multiple submitters, no conflicts (2 of 4 stars). 2 submissions from 2 submitters: Likely benign (2). Last evaluated 2025-10-17.

Conditions:
Immunodeficiency 51 (IMD51). Also called: CANDIDIASIS, FAMILIAL, 5. Identifiers: Orphanet 1334, MedGen C4310803, MONDO:0013500, OMIM 613953.

Allele frequency attached by ClinVar (database versions not stated): gnomAD exomes 0.00002 and 0.00005; ExAC 0.00006; ESP Exome Variant Server 0.00023; gnomAD 0.00026 and 0.00028; TOPMed 0.00026.
gnomAD v4.1: 68 of 1,600,068 alleles (0.0042%); highest among the groups gnomAD compares: African/African-American, 0.083%; no homozygotes.

Submissions (2):

Labcorp Genetics (formerly Invitae), Labcorp
Classification: Likely benign for Immunodeficiency 51. Last evaluated: 2025-10-17. Review status: criteria provided, single submitter. Criteria: Invitae Variant Classification Sherloc (09022015). Collection method: clinical testing. Allele origin: germline.

Mayo Clinic Laboratories, Mayo Clinic
Classification: Likely benign. Last evaluated: 2025-02-25. Review status: criteria provided, single submitter. Criteria: ACMG Guidelines, 2015. Collection method: clinical testing. Allele origin: germline. Observed: 1 variant allele.
Comment: BP4, BP7